The following is an entry in ClinVar:

ClinVar aggregate classification (germline): Benign (1 of 4 stars; one submission).

Submission:

Laboratory for Molecular Medicine, Mass General Brigham Personalized Medicine
Classification: Benign. Last evaluated: 2016-03-29. Review status: criteria provided, single submitter. Criteria: LMM Criteria. Collection method: clinical testing. Allele origin: germline.
Comment: Variant identified in a genome or exome case(s) and assessed due to predicted null impact of the variant or pathogenic assertions in the literature or databases. Disclaimer: This variant has not undergone full assessment. The following are preliminary notes: Frequency

NM_004824.4(CDYL):c.1332+31dup

Gene: CDYL (chromodomain Y like; plus strand). Cytogenetic location: 6p25.1.
Variant type: Duplication.
Coding change: c.1332+31dup on transcript NM_004824.4 (MANE Select); 31 bases into the intron after coding-DNA position 1332, one base duplicated (A; older notation c.1332+31dupA).
Molecular consequence: intron variant.
Genome position (GRCh38, 1-based): chr6:4,943,787, A duplicated; the last of 17 consecutive A bases (chr6:4,943,771-4,943,787); duplicating any one gives the same sequence. VCF-style (leftmost placement, unchanged base first): chr6-4943770-T-TA. GRCh37 (hg19) VCF-style: chr6-4944004-T-TA.
Other names: c.1494+31dup (NM_001368125.1); c.1266+31dup (NM_001368126.1); c.627+31dup (NM_001368127.1); c.936+31dup (NM_001143970.2, NM_001143971.2).
Identifiers: ClinVar variation 402525 (VCV000402525.4), dbSNP rs34649909, ClinGen allele CA3622806.
Genomic context (GRCh38, chr6:4,943,770, plus strand): 5'-ATGGCTGTTCTACCGTTATGTTTCCCAAGATAATGGGAGGAGCATCTGTGAGTACCTTTT[T>TA]AAAAAAAAAAAAAAAAAGTCATTCTAGAAAGCTTCCTGAAGAAATCTAGTTTGGTTATTG-3'